The following is an entry in ClinVar:

ClinVar aggregate classification (germline): Uncertain significance (0 of 4 stars; one submission).

Conditions:
RNF213-related disorder. Also called: RNF213-related condition.

Allele frequency attached by ClinVar (database versions not stated): gnomAD 0.00002; TOPMed 0.00002; gnomAD exomes 0.00008.

Submission:

PreventionGenetics, part of Exact Sciences
Classification: Uncertain significance for RNF213-related condition. Last evaluated: 2024-01-30. Review status: no assertion criteria provided. Collection method: clinical testing. Allele origin: germline.
Comment: The RNF213 c.5321T>G variant is predicted to result in the amino acid substitution p.Leu1774Arg. To our knowledge, this variant has not been reported in the literature. This variant is reported in 0.014% of alleles in individuals of European (Non-Finnish) descent in gnomAD. At this time, the clinical significance of this variant is uncertain due to the absence of conclusive functional and genetic evidence.

NM_001256071.3(RNF213):c.5321T>G (p.Leu1774Arg)

Gene: RNF213 (ring finger protein 213; plus strand). Cytogenetic location: 17q25.3.
Variant type: single nucleotide variant.
Coding change: c.5321T>G on transcript NM_001256071.3 (MANE Select); coding-DNA position 5321, T replaced by G.
Protein change: p.Leu1774Arg; replaces leucine 1774 with arginine.
Molecular consequence: missense variant.
Genome position (GRCh38, 1-based): chr17:80,339,688, T>G. VCF-style: chr17-80339688-T-G. GRCh37 (hg19) VCF-style: chr17-78313488-T-G.
Other names: c.5468T>G, p.Leu1823Arg (NM_001410195.1, NM_020914.5); short protein forms L1774R, L1823R.
Identifiers: ClinVar variation 3030867 (VCV003030867.2), dbSNP rs924140275, ClinGen allele CA294911960.